The following is an entry in ClinVar:

ClinVar aggregate classification (germline): Uncertain significance (1 of 4 stars; one submission).

Conditions:
Neuroblastoma, susceptibility to, 3. Also called: ALK-Related Neuroblastic Tumor Susceptibility. Identifiers: Orphanet 635, MedGen C2751681, MONDO:0013083, OMIM 613014.

Submission:

Labcorp Genetics (formerly Invitae), Labcorp
Classification: Uncertain significance for Neuroblastoma, susceptibility to, 3. Last evaluated: 2024-05-29. Review status: criteria provided, single submitter. Criteria: Invitae Variant Classification Sherloc (09022015). Collection method: clinical testing. Allele origin: germline.
Comment: This sequence change creates a premature translational stop signal (p.Cys688Trpfs*81) in the ALK gene. It is expected to result in an absent or disrupted protein product. However, the current clinical and genetic evidence is not sufficient to establish whether loss-of-function variants in ALK cause disease. This variant is not present in population databases (gnomAD no frequency). This variant has not been reported in the literature in individuals affected with ALK-related conditions. In summary, the available evidence is currently insufficient to determine the role of this variant in disease. Therefore, it has been classified as a Variant of Uncertain Significance.

NM_004304.5(ALK):c.2061_2062del (p.Cys688fs)

Gene: ALK (ALK receptor tyrosine kinase; minus strand). Cytogenetic location: 2p23.2.
Variant type: Deletion.
Coding change: c.2061_2062del on transcript NM_004304.5 (MANE Select); coding-DNA positions 2061 to 2062, 2 bases deleted (AT; older notation c.2061_2062delAT).
Protein change: p.Cys688fs; shifts the reading frame from cysteine 688.
Molecular consequence: frameshift variant.
Genome position (GRCh38, 1-based): chr2:29,251,247-29,251,248, AT deleted on the plus strand (AT on the coding strand, the reverse complement: ALK is on the minus strand). VCF-style (leftmost placement, unchanged base first): chr2-29251246-CAT-C. GRCh37 (hg19) VCF-style: chr2-29474112-CAT-C.
Other names: short protein forms C688fs.
Identifiers: ClinVar variation 3654997 (VCV003654997.2).